The following is an entry in ClinVar:

NM_001103.4(ACTN2):c.1460G>C (p.Cys487Ser)

Gene: ACTN2 (actinin alpha 2; plus strand). Cytogenetic location: 1q43.
Variant type: single nucleotide variant.
Coding change: c.1460G>C on transcript NM_001103.4 (MANE Select); coding-DNA position 1460, G replaced by C.
Protein change: p.Cys487Ser; replaces cysteine 487 with serine.
Molecular consequence: missense variant. On other transcripts: non-coding transcript variant (1).
Genome position (GRCh38, 1-based): chr1:236,747,720, G>C. VCF-style: chr1-236747720-G-C. GRCh37 (hg19) VCF-style: chr1-236911020-G-C.
Other names: c.1460G>C, p.Cys487Ser (NM_001278343.2); short protein forms C487S.
Identifiers: ClinVar variation 3758294 (VCV003758294.2).

ClinVar aggregate classification (germline): Uncertain significance (1 of 4 stars; one submission).

Conditions:
Primary familial hypertrophic cardiomyopathy (HCM). Identifiers: Orphanet 99739, MedGen C0949658, MeSH D024741, MONDO:0024573. Inheritance: Various modes of inheritance.
Dilated cardiomyopathy 1AA (CMD1AA). Also called: CARDIOMYOPATHY, DILATED, 1AA, WITH OR WITHOUT LEFT VENTRICULAR NONCOMPACTION; CARDIOMYOPATHY, FAMILIAL HYPERTROPHIC, 23, WITH OR WITHOUT LEFT VENTRICULAR NONCOMPACTION; Cardiomyopathy, dilated, 1AA, with or without LVNC. Identifiers: Orphanet 154, MedGen C2677338, MONDO:0012808, OMIM 612158.

Submission:

Labcorp Genetics (formerly Invitae), Labcorp
Classification: Uncertain significance for Primary familial hypertrophic cardiomyopathy; Dilated cardiomyopathy 1AA. Last evaluated: 2024-12-22. Review status: criteria provided, single submitter. Criteria: Invitae Variant Classification Sherloc (09022015). Collection method: clinical testing. Allele origin: germline.
Comment: This sequence change replaces cysteine, which is neutral and slightly polar, with serine, which is neutral and polar, at codon 487 of the ACTN2 protein (p.Cys487Ser). This variant is not present in population databases (gnomAD no frequency). This variant has not been reported in the literature in individuals affected with ACTN2-related conditions. Invitae Evidence Modeling of protein sequence and biophysical properties (such as structural, functional, and spatial information, amino acid conservation, physicochemical variation, residue mobility, and thermodynamic stability) indicates that this missense variant is not expected to disrupt ACTN2 protein function with a negative predictive value of 80%. In summary, the available evidence is currently insufficient to determine the role of this variant in disease. Therefore, it has been classified as a Variant of Uncertain Significance.